The following is an entry in ClinVar:

NM_000051.4(ATM):c.8103delinsTAT (p.Ile2702_Asp2703insTer)

Genes: ATM (ATM serine/threonine kinase; plus strand), C11orf65 (chromosome 11 open reading frame 65; minus strand). Cytogenetic location: 11q22.3.
Variant type: Indel.
Coding change: c.8103delinsTAT on transcript NM_000051.4 (MANE Select); coding-DNA position 8103, A replaced by TAT.
Protein change: p.Ile2702_Asp2703insTer.
Molecular consequence: frameshift variant. On other transcripts: intron variant (2).
Genome position (GRCh38, 1-based): chr11:108,335,061, A replaced by TAT. VCF-style: chr11-108335061-A-TAT. GRCh37 (hg19) VCF-style: chr11-108205788-A-TAT.
Other names: c.8103delinsTAT, p.Ile2702_Asp2703insTer (NM_001351834.2); c.641-25990delinsATA (NM_001330368.2); c.*38+159delinsATA (NM_001351110.2).
Identifiers: ClinVar variation 1762012 (VCV001762012.3), dbSNP rs2547330771, ClinGen allele CA2580083057.

ClinVar aggregate classification (germline): Pathogenic. Review status: criteria provided, multiple submitters, no conflicts (2 of 4 stars). 2 submissions from 2 submitters: Pathogenic (2). Last evaluated 2023-12-15.

Conditions:
Ataxia-telangiectasia syndrome (AT). Also called: Ataxia telangiectasia (A-T); LOUIS-BAR SYNDROME; Cerebello-oculocutaneous telangiectasia; Immunodeficiency with ataxia telangiectasia; Ataxia-telangiectasia, complementation group D; AT, COMPLEMENTATION GROUP C. Identifiers: Orphanet 100, MedGen C0004135, MONDO:0008840, OMIM 208900.
Hereditary cancer-predisposing syndrome. Also called: Hereditary neoplastic syndrome; Neoplastic Syndromes, Hereditary; Tumor predisposition; Hereditary Cancer Syndrome. Identifiers: Orphanet 140162, MedGen C0027672, MeSH D009386, MONDO:0015356.

Submissions (2):

Women's Health and Genetics/Laboratory Corporation of America, LabCorp
Classification: Pathogenic for Ataxia-telangiectasia syndrome. Last evaluated: 2023-12-15. Review status: criteria provided, single submitter. Criteria: LabCorp Variant Classification Summary - May 2015. Collection method: clinical testing. Allele origin: germline.
Comment: Variant summary: ATM c.8103delinsTAT (p.Asp2703X) results in a premature termination codon, predicted to cause a truncation of the encoded protein or absence of the protein due to nonsense mediated decay, which are commonly known mechanisms for disease. The variant was absent in 1613940 control chromosomes. To our knowledge, no occurrence of c.8103delinsTAT in individuals affected with Ataxia-Telangiectasia and no experimental evidence demonstrating its impact on protein function have been reported. One submitter has cited clinical-significance assessments for this variant to ClinVar after 2014 and has classified the variant as pathogenic. Based on the evidence outlined above, the variant was classified as pathogenic.

Ambry Genetics
Classification: Pathogenic for Hereditary cancer-predisposing syndrome. Last evaluated: 2022-02-03. Review status: criteria provided, single submitter. Criteria: Ambry Variant Classification Scheme 2023. Collection method: clinical testing. Allele origin: germline.
Comment: The c.8103delAinsTAT pathogenic mutation, located in coding exon 54 of the ATM gene, results from the deletion of one nucleotide and insertion of 3 nucleotides causing a translational frameshift with a predicted alternate stop codon (p.D2703*). This variant is considered to be rare based on population cohorts in the Genome Aggregation Database (gnomAD). This alteration is expected to result in loss of function by premature protein truncation or nonsense-mediated mRNA decay. As such, this alteration is interpreted as a disease-causing mutation.